The following is an entry in ClinVar:

ClinVar aggregate classification (germline): Likely benign (1 of 4 stars; one submission).

Allele frequency attached by ClinVar (database versions not stated): gnomAD 0.00013; TOPMed 0.00014; ExAC 0.00022; ESP Exome Variant Server 0.00025; gnomAD exomes 0.00030.
gnomAD v4.1: 457 of 1,613,676 alleles (0.028%); highest among the groups gnomAD compares: Non-Finnish European, 0.036%; no homozygotes.

Submission:

CeGaT Center for Human Genetics Tuebingen
Classification: Likely benign. Last evaluated: 2022-06-01. Review status: criteria provided, single submitter. Criteria: CeGaT Center For Human Genetics Tuebingen Variant Classification Criteria Version 2. Collection method: clinical testing. Allele origin: germline. Affected: yes. Observed: 1 variant allele.
Comment: VWA8: BP4, BP7

NM_015058.2(VWA8):c.4596T>C (p.Asp1532=)

Gene: VWA8 (von Willebrand factor A domain containing 8; minus strand). Cytogenetic location: 13q14.11.
Variant type: single nucleotide variant.
Coding change: c.4596T>C on transcript NM_015058.2 (MANE Select); coding-DNA position 4596, T replaced by C.
Protein change: p.Asp1532=; no amino-acid change (aspartic acid 1532 retained).
Molecular consequence: synonymous variant.
Genome position (GRCh38, 1-based): chr13:41,670,961, A>G on the plus strand (T>C on the coding strand, the complement: VWA8 is on the minus strand). VCF-style: chr13-41670961-A-G. GRCh37 (hg19) VCF-style: chr13-42245097-A-G.
Identifiers: ClinVar variation 2643780 (VCV002643780.24), dbSNP rs376861790, ClinGen allele CA6963339.